The following is an entry in ClinVar:

NM_000540.3(RYR1):c.849T>C (p.His283=)

Gene: RYR1 (ryanodine receptor 1; plus strand). Cytogenetic location: 19q13.2.
Variant type: single nucleotide variant.
Coding change: c.849T>C on transcript NM_000540.3 (MANE Select); coding-DNA position 849, T replaced by C.
Protein change: p.His283=; no amino-acid change (histidine 283 retained).
Molecular consequence: synonymous variant.
Genome position (GRCh38, 1-based): chr19:38,448,403, T>C. VCF-style: chr19-38448403-T-C. GRCh37 (hg19) VCF-style: chr19-38939043-T-C.
Other names: c.849T>C, p.His283= (NM_001042723.2).
Identifiers: ClinVar variation 1554863 (VCV001554863.9), dbSNP rs754897642, ClinGen allele CA072098.
Genomic context (GRCh38, chr19:38,448,403, plus strand): 5'-CACCCTCCACAGCTGGAGTGGGAGCCACCTGCGCTGGGGCCAGCCACTCCGAGTCCGGCA[T>C]GTCACTACCGGGCAGTACCTAGCGCTCACCGAGGACCAGGGCCTGGTGGTGGTTGACGCC-3'
Protein context (NP_000531.2, residues 273-293): LRWGQPLRVR[His283=]VTTGQYLALT

ClinVar aggregate classification (germline): Likely benign. Review status: criteria provided, multiple submitters, no conflicts (2 of 4 stars). 2 submissions from 2 submitters: Likely benign (2). Last evaluated 2023-10-06.

Conditions:
RYR1-related disorder. Also called: RYR1-related condition; RYR1-related disorders. Identifiers: MedGen CN239331.
Malignant hyperthermia, susceptibility to, 1 (MHS1). Also called: RYR1-Related Malignant Hyperthermia Susceptibility; Anesthesia related hyperthermia; Malignant hyperpyrexia; Fulminating hyperpyrexia; Pharmacogenic myopathy; Malignant hyperthermia suceptibility 1. Identifiers: Orphanet 423, MedGen C2930980, MONDO:0007783, OMIM 145600.

Allele frequency attached by ClinVar (database versions not stated): ExAC 0.00001; gnomAD 0.00001; gnomAD exomes 0.00001; TOPMed 0.00001.
gnomAD v4.1: 12 of 1,612,744 alleles (0.00074%); highest among the groups gnomAD compares: South Asian, 0.0022%; no homozygotes.

Submissions (2):

All of Us Research Program, National Institutes of Health
Classification: Likely benign for Malignant hyperthermia, susceptibility to, 1. Last evaluated: 2023-10-06. Review status: criteria provided, single submitter. Criteria: ACMG Guidelines, 2015. Collection method: clinical testing. Allele origin: germline. Inheritance: Autosomal dominant inheritance. Observed: 3 variant alleles, 3 heterozygotes.
Comment: This study involves interpretation of variants in research participants for the purpose of population health screening. Participant phenotype was not available at the time of variant classification. Additional details can be found in publication PMID: 35346344, PMCID: PMC8962531

Labcorp Genetics (formerly Invitae), Labcorp
Classification: Likely benign for RYR1-related disorder. Last evaluated: 2023-02-03. Review status: criteria provided, single submitter. Criteria: Invitae Variant Classification Sherloc (09022015). Collection method: clinical testing. Allele origin: germline.